The following is an entry in ClinVar:

ClinVar aggregate classification (germline): Pathogenic (1 of 4 stars; one submission).

Conditions:
COG4-congenital disorder of glycosylation. Also called: CONGENITAL DISORDER OF GLYCOSYLATION, TYPE IIj; CDG IIj; COG4-CDG. Identifiers: Orphanet 263501, MedGen C4303552, MONDO:0013281, OMIM 613489.

Submission:

Labcorp Genetics (formerly Invitae), Labcorp
Classification: Pathogenic for COG4-congenital disorder of glycosylation. Last evaluated: 2022-02-10. Review status: criteria provided, single submitter. Criteria: Invitae Variant Classification Sherloc (09022015). Collection method: clinical testing. Allele origin: germline.
Comment: This sequence change creates a premature translational stop signal (p.Glu295*) in the COG4 gene. It is expected to result in an absent or disrupted protein product. Loss-of-function variants in COG4 are known to be pathogenic (PMID: 21185756). This variant is not present in population databases (gnomAD no frequency). For these reasons, this variant has been classified as Pathogenic. This variant has not been reported in the literature in individuals affected with COG4-related conditions.

Literature cited by the submitters: PubMed 21185756.

NM_015386.3(COG4):c.883G>T (p.Glu295Ter)

Gene: COG4 (component of oligomeric golgi complex 4; minus strand). Cytogenetic location: 16q22.1.
Variant type: single nucleotide variant.
Coding change: c.883G>T on transcript NM_015386.3 (MANE Select); coding-DNA position 883, G replaced by T.
Protein change: p.Glu295Ter; replaces glutamic acid 295 with a stop codon.
Molecular consequence: nonsense. On other transcripts: non-coding transcript variant (1).
Genome position (GRCh38, 1-based): chr16:70,509,350, C>A on the plus strand (G>T on the coding strand, the complement: COG4 is on the minus strand). VCF-style: chr16-70509350-C-A. GRCh37 (hg19) VCF-style: chr16-70543253-C-A.
Other names: c.871G>T, p.Glu291Ter (NM_001195139.2); c.457G>T, p.Glu153Ter (NM_001365426.1); short protein forms E291*, E295*, E153*.
Identifiers: ClinVar variation 1454863 (VCV001454863.6), dbSNP rs2151758219, ClinGen allele CA396576027.